The following is an entry in ClinVar:

ClinVar aggregate classification (germline): Likely benign. Review status: criteria provided, multiple submitters, no conflicts (2 of 4 stars). 5 submissions from 5 submitters: Likely benign (5). Last evaluated 2025-04-17.

Conditions:
Hereditary cancer-predisposing syndrome. Also called: Hereditary neoplastic syndrome; Hereditary Cancer Syndrome; Neoplastic Syndromes, Hereditary; Tumor predisposition. Identifiers: Orphanet 140162, MedGen C0027672, MeSH D009386, MONDO:0015356.
Familial adenomatous polyposis 2. Also called: MYH-associated polyposis; COLORECTAL ADENOMATOUS POLYPOSIS, AUTOSOMAL RECESSIVE; ADENOMAS, MULTIPLE COLORECTAL, AUTOSOMAL RECESSIVE; MUTYH-related attenuated familial adenomatous polyposis; Adenomas, multiple colorectal; FAP type 2. Identifiers: Orphanet 220460, Orphanet 247798, MedGen C3272841, MONDO:0012041, OMIM 608456.

Allele frequency attached by ClinVar (database versions not stated): gnomAD exomes below 0.00001.
gnomAD v4.1: 2 of 1,614,180 alleles (0.00012%); highest among the groups gnomAD compares: Non-Finnish European, 0.00017%; no homozygotes.

Submissions (5):

Labcorp Genetics (formerly Invitae), Labcorp
Classification: Likely benign for Familial adenomatous polyposis 2. Last evaluated: 2025-04-17. Review status: criteria provided, single submitter. Criteria: Invitae Variant Classification Sherloc (09022015). Collection method: clinical testing. Allele origin: germline.

All of Us Research Program, National Institutes of Health
Classification: Likely benign for Familial adenomatous polyposis 2. Last evaluated: 2024-08-30. Review status: criteria provided, single submitter. Criteria: ACMG Guidelines, 2015. Collection method: clinical testing. Allele origin: germline. Inheritance: Autosomal recessive inheritance. Observed: 1 variant allele, 1 heterozygote.
Comment: This study involves interpretation of variants in research participants for the purpose of population health screening. Participant phenotype was not available at the time of variant classification. Additional details can be found in publication PMID: 35346344, PMCID: PMC8962531

GeneDx
Classification: Likely benign. Last evaluated: 2021-03-29. Review status: criteria provided, single submitter. Criteria: GeneDx Variant Classification Process June 2021. Collection method: clinical testing. Allele origin: germline. Affected: yes.

Color Diagnostics, LLC DBA Color Health
Classification: Likely benign for Hereditary cancer-predisposing syndrome. Last evaluated: 2019-04-30. Review status: criteria provided, single submitter. Criteria: ACMG Guidelines, 2015. Collection method: clinical testing. Allele origin: germline.

Ambry Genetics
Classification: Likely benign for Hereditary cancer-predisposing syndrome. Last evaluated: 2017-03-30. Review status: criteria provided, single submitter. Criteria: Ambry Variant Classification Scheme 2023. Collection method: clinical testing. Allele origin: germline.

NM_001048174.2(MUTYH):c.546G>A (p.Gln182=)

Gene: MUTYH (mutY DNA glycosylase; minus strand). Cytogenetic location: 1p34.1.
Variant type: single nucleotide variant.
Coding change: c.546G>A on transcript NM_001048174.2 (MANE Select); coding-DNA position 546, G replaced by A.
Protein change: p.Gln182=; no amino-acid change (glutamine 182 retained).
Molecular consequence: synonymous variant. On other transcripts: non-coding transcript variant (2).
Genome position (GRCh38, 1-based): chr1:45,332,634, C>T on the plus strand (G>A on the coding strand, the complement: MUTYH is on the minus strand). VCF-style: chr1-45332634-C-T. GRCh37 (hg19) VCF-style: chr1-45798306-C-T.
Other names: c.546G>A, p.Gln182= (NM_001048171.2, NM_001048173.2, NM_001293195.2); c.549G>A, p.Gln183= (NM_001048172.2); c.630G>A, p.Gln210= (NM_001128425.2); c.591G>A, p.Gln197= (NM_001293190.2); c.579G>A, p.Gln193= (NM_001293191.2); c.270G>A, p.Gln90= (NM_001293192.2, NM_001293196.2); c.201G>A, p.Gln67= (NM_001350650.2, NM_001350651.2); c.621G>A, p.Gln207= (NM_012222.3).
Identifiers: ClinVar variation 479999 (VCV000479999.19), dbSNP rs1553128516, ClinGen allele CA417880071.